The following is an entry in ClinVar:

NM_001303052.2(MYT1L):c.2972A>G (p.Asn991Ser)

Gene: MYT1L (myelin transcription factor 1 like; minus strand). Cytogenetic location: 2p25.3.
Variant type: single nucleotide variant.
Coding change: c.2972A>G on transcript NM_001303052.2 (MANE Select); coding-DNA position 2972, A replaced by G.
Protein change: p.Asn991Ser; replaces asparagine 991 with serine.
Molecular consequence: missense variant.
Genome position (GRCh38, 1-based): chr2:1,839,257, T>C on the plus strand (A>G on the coding strand, the complement: MYT1L is on the minus strand). VCF-style: chr2-1839257-T-C. GRCh37 (hg19) VCF-style: chr2-1843029-T-C.
Other names: c.2972A>G, p.Asn991Ser (NM_001329844.2, NM_001329845.1, NM_001329851.3); c.2966A>G, p.Asn989Ser (NM_001329846.3, NM_001329847.2, NM_001329848.1 and 3 more transcripts); short protein forms N989S, N991S.
Identifiers: ClinVar variation 3372650 (VCV003372650.1).
Genomic context (GRCh38, chr2:1,839,257, plus strand): 5'-CCTGGCGTGGGGCAGGACATGCCTTCCGTCTTGACCGACTTCCAGGAGAACTGGGAGCCA[T>C]TCAGGTACCCGTCTTTCTGCCTCTTGGCCGCCAAGGGGCACCCGGAGGCGCTGCGATGGG-3'
Protein context (NP_001289981.1, residues 981-1001): AAKRQKDGYL[Asn991Ser]GSQFSWKSVK

ClinVar aggregate classification (germline): Uncertain significance (1 of 4 stars; one submission).

Submission:

GeneDx
Classification: Uncertain significance. Last evaluated: 2024-04-18. Review status: criteria provided, single submitter. Criteria: GeneDx Variant Classification Process June 2021. Collection method: clinical testing. Allele origin: germline. Affected: yes.
Comment: In silico analysis supports that this missense variant has a deleterious effect on protein structure/function; Has not been previously published as pathogenic or benign to our knowledge